The following is an entry in ClinVar:

NM_198904.4(GABRG2):c.327G>C (p.Met109Ile)

Gene: GABRG2 (gamma-aminobutyric acid type A receptor subunit gamma2; plus strand). Cytogenetic location: 5q34.
Variant type: single nucleotide variant.
Coding change: c.327G>C on transcript NM_198904.4 (MANE Select); coding-DNA position 327, G replaced by C.
Protein change: p.Met109Ile; replaces methionine 109 with isoleucine.
Molecular consequence: missense variant. On other transcripts: 5 prime UTR variant (2).
Genome position (GRCh38, 1-based): chr5:162,095,562, G>C. VCF-style: chr5-162095562-G-C. GRCh37 (hg19) VCF-style: chr5-161522568-G-C.
Other names: c.327G>C, p.Met109Ile (NM_000816.3, NM_001375340.1, NM_001375341.1 and 4 more transcripts); c.318G>C, p.Met106Ile (NM_001375339.1); c.261G>C, p.Met87Ile (NM_001375345.1, NM_001375346.1); c.240G>C, p.Met80Ile (NM_001375347.1); c.-32G>C (NM_001375348.1, NM_001375350.1); c.42G>C, p.Met14Ile (NM_001375349.1); short protein forms M14I, M80I, M87I, M109I, M106I.
Identifiers: ClinVar variation 5008909 (VCV005008909.1).

ClinVar aggregate classification (germline): Uncertain significance (1 of 4 stars; one submission).

Submission:

GeneDx
Classification: Uncertain significance. Last evaluated: 2026-03-14. Review status: criteria provided, single submitter. Criteria: GeneDx Variant Classification Process June 2021. Collection method: clinical testing. Allele origin: germline.
Comment: Not observed at significant frequency in large population cohorts (gnomAD); In silico analysis supports that this missense variant has a deleterious effect on protein structure/function; Has not been previously published as pathogenic or benign to our knowledge